The following is an entry in ClinVar:

ClinVar aggregate classification (germline): Pathogenic (1 of 4 stars; one submission).

Conditions:
Polycystic kidney disease, adult type (PKD1). Also called: Polycystic Kidney, Autosomal Dominant; POLYCYSTIC KIDNEY DISEASE, ADULT, TYPE I; Polycystic Kidney Disease 1, Autosomal Dominant; Polycystic kidney disease 1; Polycystic kidney disease 1, severe; POLYCYSTIC KIDNEY DISEASE 1 WITH OR WITHOUT POLYCYSTIC LIVER DISEASE. Identifiers: MedGen C3149841, MONDO:0008263, OMIM 173900.

Submission:

MVZ Medizinische Genetik Mainz
Classification: Pathogenic for Polycystic kidney disease, adult type. Last evaluated: 2026-08-24. Review status: criteria provided, single submitter. Criteria: UK Practice Guidelines For Variant Classification V4 01 2020. Collection method: clinical testing. Allele origin: germline. Inheritance: Autosomal dominant inheritance. Affected: yes. Observed: 1 variant allele.
Comment: ACMG Criteria: PVS1,PM2_SUP,PP4

NM_001009944.3(PKD1):c.642C>A (p.Cys214Ter)

Gene: PKD1 (polycystin 1, transient receptor potential channel interacting; minus strand). Cytogenetic location: 16p13.3.
Variant type: single nucleotide variant.
Coding change: c.642C>A on transcript NM_001009944.3 (MANE Select); coding-DNA position 642, C replaced by A.
Protein change: p.Cys214Ter; replaces cysteine 214 with a stop codon.
Molecular consequence: nonsense.
Genome position (GRCh38, 1-based): chr16:2,118,350, G>T on the plus strand (C>A on the coding strand, the complement: PKD1 is on the minus strand). VCF-style: chr16-2118350-G-T. GRCh37 (hg19) VCF-style: chr16-2168351-G-T.
Other names: c.642C>A, p.Cys214Ter (NM_000296.4); short protein forms C214*.
Identifiers: ClinVar variation 5010187 (VCV005010187.1).